The following is an entry in ClinVar:

ClinVar aggregate classification (germline): Uncertain significance (1 of 4 stars; one submission).

gnomAD v4.1: 1 of 1,613,670 alleles (0.000062%); highest among the groups gnomAD compares: Non-Finnish European, 0.000085%; no homozygotes.

Submission:

Labcorp Genetics (formerly Invitae), Labcorp
Classification: Uncertain significance. Last evaluated: 2022-09-23. Review status: criteria provided, single submitter. Criteria: Invitae Variant Classification Sherloc (09022015). Collection method: clinical testing. Allele origin: germline.
Comment: This sequence change replaces lysine, which is basic and polar, with asparagine, which is neutral and polar, at codon 579 of the LONP1 protein (p.Lys579Asn). This variant is not present in population databases (gnomAD no frequency). This variant has not been reported in the literature in individuals affected with LONP1-related conditions. Advanced modeling of protein sequence and biophysical properties (such as structural, functional, and spatial information, amino acid conservation, physicochemical variation, residue mobility, and thermodynamic stability) performed at Invitae indicates that this missense variant is not expected to disrupt LONP1 protein function. In summary, the available evidence is currently insufficient to determine the role of this variant in disease. Therefore, it has been classified as a Variant of Uncertain Significance.

NM_004793.4(LONP1):c.1737G>T (p.Lys579Asn)

Gene: LONP1 (lon peptidase 1, mitochondrial; minus strand). Cytogenetic location: 19p13.3.
Variant type: single nucleotide variant.
Coding change: c.1737G>T on transcript NM_004793.4 (MANE Select); coding-DNA position 1737, G replaced by T.
Protein change: p.Lys579Asn; replaces lysine 579 with asparagine.
Molecular consequence: missense variant. On other transcripts: non-coding transcript variant (1).
Genome position (GRCh38, 1-based): chr19:5,696,706, C>A on the plus strand (G>T on the coding strand, the complement: LONP1 is on the minus strand). VCF-style: chr19-5696706-C-A. GRCh37 (hg19) VCF-style: chr19-5696717-C-A.
Other names: c.1545G>T, p.Lys515Asn (NM_001276479.2); c.1149G>T, p.Lys383Asn (NM_001276480.1); short protein forms K383N, K515N, K579N.
Identifiers: ClinVar variation 1720230 (VCV001720230.5), dbSNP rs1414495718, ClinGen allele CA403529669.